The following is an entry in ClinVar:

NM_001844.5(COL2A1):c.113G>A (p.Gly38Glu)

Gene: COL2A1 (collagen type II alpha 1 chain; minus strand). Cytogenetic location: 12q13.11.
Variant type: single nucleotide variant.
Coding change: c.113G>A on transcript NM_001844.5 (MANE Select); coding-DNA position 113, G replaced by A.
Protein change: p.Gly38Glu; replaces glycine 38 with glutamic acid.
Molecular consequence: missense variant. On other transcripts: intron variant (1).
Genome position (GRCh38, 1-based): chr12:48,000,098, C>T on the plus strand (G>A on the coding strand, the complement: COL2A1 is on the minus strand). VCF-style: chr12-48000098-C-T. GRCh37 (hg19) VCF-style: chr12-48393881-C-T.
Other names: c.86-1667G>A (NM_033150.3); short protein forms G38E.
Identifiers: ClinVar variation 2132708 (VCV002132708.4), dbSNP rs1010211097, ClinGen allele CA384526724.

ClinVar aggregate classification (germline): Uncertain significance (1 of 4 stars; one submission).

Submission:

Labcorp Genetics (formerly Invitae), Labcorp
Classification: Uncertain significance. Last evaluated: 2022-05-03. Review status: criteria provided, single submitter. Criteria: Invitae Variant Classification Sherloc (09022015). Collection method: clinical testing. Allele origin: germline.
Comment: In summary, the available evidence is currently insufficient to determine the role of this variant in disease. Therefore, it has been classified as a Variant of Uncertain Significance. This sequence change replaces glycine, which is neutral and non-polar, with glutamic acid, which is acidic and polar, at codon 38 of the COL2A1 protein (p.Gly38Glu). This variant is not present in population databases (gnomAD no frequency). This variant has not been reported in the literature in individuals affected with COL2A1-related conditions. Advanced modeling of protein sequence and biophysical properties (such as structural, functional, and spatial information, amino acid conservation, physicochemical variation, residue mobility, and thermodynamic stability) performed at Invitae indicates that this missense variant is not expected to disrupt COL2A1 protein function.